The following is an entry in ClinVar:

NM_000260.4(MYO7A):c.4115T>C (p.Val1372Ala)

Gene: MYO7A (myosin VIIA; plus strand). Cytogenetic location: 11q13.5.
Variant type: single nucleotide variant.
Coding change: c.4115T>C on transcript NM_000260.4 (MANE Select); coding-DNA position 4115, T replaced by C.
Protein change: p.Val1372Ala; replaces valine 1372 with alanine.
Molecular consequence: missense variant.
Genome position (GRCh38, 1-based): chr11:77,192,241, T>C. VCF-style: chr11-77192241-T-C. GRCh37 (hg19) VCF-style: chr11-76903286-T-C.
Other names: c.4115T>C, p.Val1372Ala (NM_001127180.2); c.4082T>C, p.Val1361Ala (NM_001369365.1); short protein forms V1361A, V1372A.
Identifiers: ClinVar variation 3902442 (VCV003902442.1).

ClinVar aggregate classification (germline): Uncertain significance (1 of 4 stars; one submission).

gnomAD v4.1: 3 of 1,614,004 alleles (0.00019%); highest among the groups gnomAD compares: Non-Finnish European, 0.000085%; no homozygotes.

Submission:

Women's Health and Genetics/Laboratory Corporation of America, LabCorp
Classification: Uncertain significance. Last evaluated: 2025-05-07. Review status: criteria provided, single submitter. Criteria: LabCorp Variant Classification Summary - May 2015. Collection method: clinical testing. Allele origin: germline.
Comment: Variant summary: MYO7A c.4115T>C (p.Val1372Ala) results in a non-conservative amino acid change in the encoded protein sequence. Algorithms developed to predict the effect of missense changes on protein structure and function are either unavailable or do not agree on the potential impact of this missense change. The variant was absent in 249226 control chromosomes. The available data on variant occurrences in the general population are insufficient to allow any conclusion about variant significance. To our knowledge, no occurrence of c.4115T>C in individuals affected with Usher Syndrome and no experimental evidence demonstrating its impact on protein function have been reported. No submitters have cited clinical-significance assessments for this variant to ClinVar. Based on the evidence outlined above, the variant was classified as uncertain significance.